The following is an entry in ClinVar:

ClinVar aggregate classification (germline): Uncertain significance (1 of 4 stars; one submission).

Submission:

GeneDx
Classification: Uncertain significance. Last evaluated: 2026-01-05. Review status: criteria provided, single submitter. Criteria: GeneDx Variant Classification Process June 2021. Collection method: clinical testing. Allele origin: germline.
Comment: Not observed at significant frequency in large population cohorts (gnomAD); In silico analysis supports that this missense variant has a deleterious effect on protein structure/function; Has not been previously published as pathogenic or benign to our knowledge

NM_014991.6(WDFY3):c.7882G>T (p.Ala2628Ser)

Gene: WDFY3 (WD repeat and FYVE domain containing 3; minus strand). Cytogenetic location: 4q21.23.
Variant type: single nucleotide variant.
Coding change: c.7882G>T on transcript NM_014991.6 (MANE Select); coding-DNA position 7882, G replaced by T.
Protein change: p.Ala2628Ser; replaces alanine 2628 with serine.
Molecular consequence: missense variant.
Genome position (GRCh38, 1-based): chr4:84,715,377, C>A on the plus strand (G>T on the coding strand, the complement: WDFY3 is on the minus strand). VCF-style: chr4-84715377-C-A. GRCh37 (hg19) VCF-style: chr4-85636530-C-A.
Other names: short protein forms A2628S.
Identifiers: ClinVar variation 4278552 (VCV004278552.2).